The following is an entry in ClinVar:

ClinVar aggregate classification (germline): Uncertain significance (1 of 4 stars; one submission).

Conditions:
Hereditary cancer-predisposing syndrome. Also called: Neoplastic Syndromes, Hereditary; Tumor predisposition; Hereditary neoplastic syndrome; Hereditary Cancer Syndrome. Identifiers: Orphanet 140162, MedGen C0027672, MeSH D009386, MONDO:0015356.

Submission:

Ambry Genetics
Classification: Uncertain significance for Hereditary cancer-predisposing syndrome. Last evaluated: 2025-05-16. Review status: criteria provided, single submitter. Criteria: Ambry Variant Classification Scheme 2023. Collection method: clinical testing. Allele origin: germline.
Comment: The p.H246R variant (also known as c.737A>G), located in coding exon 7 of the FANCC gene, results from an A to G substitution at nucleotide position 737. The histidine at codon 246 is replaced by arginine, an amino acid with highly similar properties. This amino acid position is conserved. In addition, the in silico prediction for this alteration is inconclusive. Since supporting evidence is limited at this time, the clinical significance of this alteration remains unclear.

NM_000136.3(FANCC):c.737A>G (p.His246Arg)

Genes: FANCC (FA complementation group C; minus strand), AOPEP (aminopeptidase O (putative); plus strand). Cytogenetic location: 9q22.32.
Variant type: single nucleotide variant.
Coding change: c.737A>G on transcript NM_000136.3 (MANE Select); coding-DNA position 737, A replaced by G.
Protein change: p.His246Arg; replaces histidine 246 with arginine.
Molecular consequence: missense variant.
Genome position (GRCh38, 1-based): chr9:95,135,452, T>C on the plus strand (A>G on the coding strand, the complement: FANCC is on the minus strand). VCF-style: chr9-95135452-T-C. GRCh37 (hg19) VCF-style: chr9-97897734-T-C.
Other names: c.737A>G, p.His246Arg (NM_001243743.2, NM_001243744.2); short protein forms H246R.
Identifiers: ClinVar variation 2450922 (VCV002450922.3), dbSNP rs2541402250, ClinGen allele CA374109395.
Genomic context (GRCh38, chr9:95,135,452, plus strand): 5'-CTCTCACTGGAGATTAGCTTTTCAAAAAGATGCAGCATTGCTTTTTCAAGGCTGGGAAGG[T>C]GCCGAAGCCAGAGGCAGACTACAGCTGACATGGGGAGAGAAATCTTCTTCCTTTCAGAAA-3'
Protein context (NP_000127.2, residues 236-256): MSAVVCLWLR[His246Arg]LPSLEKAMLH